The following is an entry in ClinVar:

NM_020843.4(SCAPER):c.2761A>T (p.Ser921Cys)

Gene: SCAPER (S-phase cyclin A associated protein in the ER; minus strand). Cytogenetic location: 15q24.3.
Variant type: single nucleotide variant.
Coding change: c.2761A>T on transcript NM_020843.4 (MANE Select); coding-DNA position 2761, A replaced by T.
Protein change: p.Ser921Cys; replaces serine 921 with cysteine.
Molecular consequence: missense variant. On other transcripts: non-coding transcript variant (1).
Genome position (GRCh38, 1-based): chr15:76,574,235, T>A on the plus strand (A>T on the coding strand, the complement: SCAPER is on the minus strand). VCF-style: chr15-76574235-T-A. GRCh37 (hg19) VCF-style: chr15-76866576-T-A.
Other names: c.2023A>T, p.Ser675Cys (NM_001145923.2); c.2779A>T, p.Ser927Cys (NM_001353009.2); c.2359A>T, p.Ser787Cys (NM_001353010.2, NM_001353012.2); c.2377A>T, p.Ser793Cys (NM_001353011.2); short protein forms S793C, S787C, S675C, S921C, S927C.
Identifiers: ClinVar variation 4987349 (VCV004987349.1).

ClinVar aggregate classification (germline): Uncertain significance (1 of 4 stars; one submission).

Conditions:
SCAPER-related disorder. Also called: SCAPER-related condition.

gnomAD v4.1: 2 of 1,611,986 alleles (0.00012%); highest among the groups gnomAD compares: Non-Finnish European, 0.00017%; no homozygotes.

Submission:

PreventionGenetics, part of Exact Sciences
Classification: Uncertain significance for SCAPER-related condition. Last evaluated: 2025-05-27. Review status: criteria provided, single submitter. Criteria: ACMG Guidelines, 2015. Collection method: clinical testing. Allele origin: germline.
Comment: The SCAPER c.2779A>T variant is predicted to result in the amino acid substitution p.Ser927Cys. To our knowledge, this variant has not been reported in the literature or in a large population database (gnomAD), indicating this variant is rare. At this time, the clinical significance of this variant is uncertain due to the absence of conclusive functional and genetic evidence.